The following is an entry in ClinVar:

NM_170754.4(TNS2):c.3322G>A (p.Ala1108Thr)

Gene: TNS2 (tensin 2; plus strand). Cytogenetic location: 12q13.13.
Variant type: single nucleotide variant.
Coding change: c.3322G>A on transcript NM_170754.4 (MANE Select); coding-DNA position 3322, G replaced by A.
Protein change: p.Ala1108Thr; replaces alanine 1108 with threonine.
Molecular consequence: missense variant.
Genome position (GRCh38, 1-based): chr12:53,061,228, G>A. VCF-style: chr12-53061228-G-A. GRCh37 (hg19) VCF-style: chr12-53455012-G-A.
Other names: c.3322G>A, p.Ala1108Thr (NM_001416202.1); c.3280G>A, p.Ala1094Thr (NM_001416203.1); c.3349G>A, p.Ala1117Thr (NM_001416204.1); c.3253G>A, p.Ala1085Thr (NM_015319.3); c.2950G>A, p.Ala984Thr (NM_198316.2); short protein forms A1108T, A1118T, A984T, A1085T, A1094T, A1117T.
Identifiers: ClinVar variation 2221196 (VCV002221196.5), dbSNP rs370316540, ClinGen allele CA6592812.
Genomic context (GRCh38, chr12:53,061,228, plus strand): 5'-CCCTGGGGCCCAGAGCAGGCATCATCGCCAGCCAGAGGCATCAGTCACCATGTCACCTTC[G>A]CACCTCTGCTCTCAGATAATGTCCCCCAAACCCCAGGTATAAAGGCCTTGAGGGGGTTGG-3'
Protein context (NP_736610.2, residues 1098-1118): ARGISHHVTF[Ala1108Thr]PLLSDNVPQT

ClinVar aggregate classification (germline): Uncertain significance. Review status: criteria provided, multiple submitters, no conflicts (2 of 4 stars). 2 submissions from 2 submitters: Uncertain significance (2). Last evaluated 2025-05-20.

Allele frequency attached by ClinVar (database versions not stated): gnomAD 0.00003; TOPMed 0.00006; ESP Exome Variant Server 0.00008.
gnomAD v4.1: 31 of 1,569,774 alleles (0.002%); highest among the groups gnomAD compares: East Asian, 0.04%; no homozygotes.

Submissions (2):

Ambry Genetics
Classification: Uncertain significance. Last evaluated: 2025-05-20. Review status: criteria provided, single submitter. Criteria: Ambry Variant Classification Scheme 2023. Collection method: clinical testing. Allele origin: germline.

Labcorp Genetics (formerly Invitae), Labcorp
Classification: Uncertain significance. Last evaluated: 2024-08-11. Review status: criteria provided, single submitter. Criteria: Invitae Variant Classification Sherloc (09022015). Collection method: clinical testing. Allele origin: germline.
Comment: This sequence change replaces alanine, which is neutral and non-polar, with threonine, which is neutral and polar, at codon 1118 of the TNS2 protein (p.Ala1118Thr). This variant is present in population databases (rs370316540, gnomAD 0.03%). This variant has not been reported in the literature in individuals affected with TNS2-related conditions. ClinVar contains an entry for this variant (Variation ID: 2221196). An algorithm developed to predict the effect of missense changes on protein structure and function (PolyPhen-2) suggests that this variant is likely to be tolerated. In summary, the available evidence is currently insufficient to determine the role of this variant in disease. Therefore, it has been classified as a Variant of Uncertain Significance.